The following is an entry in ClinVar:

NM_201384.3(PLEC):c.4574C>T (p.Ala1525Val)

Gene: PLEC (plectin; minus strand). Cytogenetic location: 8q24.3.
Variant type: single nucleotide variant.
Coding change: c.4574C>T on transcript NM_201384.3 (MANE Select); coding-DNA position 4574, C replaced by T.
Protein change: p.Ala1525Val; replaces alanine 1525 with valine.
Molecular consequence: missense variant.
Genome position (GRCh38, 1-based): chr8:143,925,355, G>A on the plus strand (C>T on the coding strand, the complement: PLEC is on the minus strand). VCF-style: chr8-143925355-G-A. GRCh37 (hg19) VCF-style: chr8-144999523-G-A.
Other names: c.4655C>T, p.Ala1552Val (NM_000445.5); c.4532C>T, p.Ala1511Val (NM_201378.4); c.4508C>T, p.Ala1503Val (NM_201379.3); c.4985C>T, p.Ala1662Val (NM_201380.4); c.4478C>T, p.Ala1493Val (NM_201381.3); c.4574C>T, p.Ala1525Val (NM_201382.4); c.4586C>T, p.Ala1529Val (NM_201383.3); short protein forms A1529V, A1511V, A1662V, A1503V, A1525V, A1493V, A1552V.
Identifiers: ClinVar variation 1899266 (VCV001899266.5), dbSNP rs547236032, ClinGen allele CA187616736.

ClinVar aggregate classification (germline): Uncertain significance (1 of 4 stars; one submission).

Conditions:
Epidermolysis bullosa simplex 5B, with muscular dystrophy (EBS5B). Also called: EPIDERMOLYSIS BULLOSA SIMPLEX AND LIMB-GIRDLE MUSCULAR DYSTROPHY; Epidermolysis bullosa simplex with muscular dystrophy. Identifiers: Orphanet 257, MedGen C2931072, MONDO:0009181, OMIM 226670.
Epidermolysis bullosa simplex, Ogna type (EBS5A). Also called: Pidermolysis bullosa simplex 5A, Ogna type; EPIDERMOLYSIS BULLOSA SIMPLEX 5A, OGNA TYPE. Identifiers: Orphanet 79401, MedGen C0432317, MONDO:0007555, OMIM 131950.
Epidermolysis bullosa simplex with nail dystrophy (EBS5D). Identifiers: MedGen C4225309, MONDO:0014661, OMIM 616487.
Autosomal recessive limb-girdle muscular dystrophy type 2Q (LGMDR17). Also called: MUSCULAR DYSTROPHY, LIMB-GIRDLE, AUTOSOMAL RECESSIVE 17. Identifiers: Orphanet 254361, MedGen C3150989, MONDO:0013390, OMIM 613723.
Epidermolysis bullosa simplex 5C, with pyloric atresia (EBS5C). Also called: PLEC1-Related Epidermolysis Bullosa with Pyloric Atresia; Epidermolysis bullosa simplex with pyloric atresia; PLEC-Related Epidermolysis Bullosa with Pyloric Atresia. Identifiers: Orphanet 158684, MedGen C2677349, MONDO:0012807, OMIM 612138.

Allele frequency attached by ClinVar (database versions not stated): gnomAD exomes below 0.00001; gnomAD 0.00001; 1000 Genomes Project 30x 0.00016; 1000 Genomes Project 0.00040.
gnomAD v4.1: 2 of 1,553,298 alleles (0.00013%); highest among the groups gnomAD compares: South Asian, 0.0012%; no homozygotes.

Submission:

Labcorp Genetics (formerly Invitae), Labcorp
Classification: Uncertain significance for Autosomal recessive limb-girdle muscular dystrophy type 2Q; Epidermolysis bullosa simplex, Ogna type; Epidermolysis bullosa simplex with nail dystrophy; Epidermolysis bullosa simplex 5C, with pyloric atresia; Epidermolysis bullosa simplex 5B, with muscular dystrophy. Last evaluated: 2022-06-25. Review status: criteria provided, single submitter. Criteria: Invitae Variant Classification Sherloc (09022015). Collection method: clinical testing. Allele origin: germline.
Comment: In summary, the available evidence is currently insufficient to determine the role of this variant in disease. Therefore, it has been classified as a Variant of Uncertain Significance. Algorithms developed to predict the effect of missense changes on protein structure and function are either unavailable or do not agree on the potential impact of this missense change (SIFT: "Tolerated"; PolyPhen-2: "Not Available"; Align-GVGD: "Class C0"). This variant has not been reported in the literature in individuals affected with PLEC-related conditions. This variant is not present in population databases (gnomAD no frequency). This sequence change replaces alanine, which is neutral and non-polar, with valine, which is neutral and non-polar, at codon 1552 of the PLEC protein (p.Ala1552Val).